The following is an entry in ClinVar:

ClinVar aggregate classification (germline): Uncertain significance. Review status: criteria provided, multiple submitters, no conflicts (2 of 4 stars). 2 submissions from 2 submitters: Uncertain significance (2). Last evaluated 2023-10-03.

Conditions:
Inborn genetic diseases. Identifiers: MedGen C0950123, MeSH D030342.
Spondyloenchondrodysplasia with immune dysregulation (SPENCDI). Also called: SPONDYLOENCHONDRODYSPLASIA WITH OR WITHOUT IMMUNE DYSREGULATION; ROIFMAN IMMUNOSKELETAL SYNDROME; COMBINED IMMUNODEFICIENCY WITH AUTOIMMUNITY AND SPONDYLOMETAPHYSEAL DYSPLASIA. Identifiers: Orphanet 1855, MedGen C1842763, MONDO:0011939, OMIM 607944.

Allele frequency attached by ClinVar (database versions not stated): TOPMed 0.00001.

Submissions (2):

Ambry Genetics
Classification: Uncertain significance for Inborn genetic diseases. Last evaluated: 2023-10-03. Review status: criteria provided, single submitter. Criteria: Ambry Variant Classification Scheme 2023. Collection method: clinical testing. Allele origin: germline.

Labcorp Genetics (formerly Invitae), Labcorp
Classification: Uncertain significance for Spondyloenchondrodysplasia with immune dysregulation. Last evaluated: 2022-07-25. Review status: criteria provided, single submitter. Criteria: Invitae Variant Classification Sherloc (09022015). Collection method: clinical testing. Allele origin: germline.
Comment: This sequence change replaces alanine, which is neutral and non-polar, with valine, which is neutral and non-polar, at codon 19 of the ACP5 protein (p.Ala19Val). This variant is present in population databases (no rsID available, gnomAD 0.006%). This variant has not been reported in the literature in individuals affected with ACP5-related conditions. Algorithms developed to predict the effect of missense changes on protein structure and function are either unavailable or do not agree on the potential impact of this missense change (SIFT: "Not Available"; PolyPhen-2: "Benign"; Align-GVGD: "Not Available"). In summary, the available evidence is currently insufficient to determine the role of this variant in disease. Therefore, it has been classified as a Variant of Uncertain Significance.

NM_001611.5(ACP5):c.56C>T (p.Ala19Val)

Gene: ACP5 (acid phosphatase 5, tartrate resistant; minus strand). Cytogenetic location: 19p13.2.
Variant type: single nucleotide variant.
Coding change: c.56C>T on transcript NM_001611.5 (MANE Select); coding-DNA position 56, C replaced by T.
Protein change: p.Ala19Val; replaces alanine 19 with valine.
Molecular consequence: missense variant.
Genome position (GRCh38, 1-based): chr19:11,577,262, G>A on the plus strand (C>T on the coding strand, the complement: ACP5 is on the minus strand). VCF-style: chr19-11577262-G-A. GRCh37 (hg19) VCF-style: chr19-11688077-G-A.
Other names: c.56C>T, p.Ala19Val (NM_001111034.3, NM_001111035.3, NM_001111036.3 and 1 more transcripts); c.56C>T (NM_001111035.1); short protein forms A19V.
Identifiers: ClinVar variation 2176921 (VCV002176921.2), dbSNP rs1280698081, ClinGen allele CA404149515.